The following is an entry in ClinVar:

ClinVar aggregate classification (germline): Pathogenic. Review status: reviewed by expert panel (3 of 4 stars). 6 submissions from 6 submitters: Pathogenic (1). 5 of the submissions do not count toward it. Last evaluated 2016-04-22.

Conditions:
Hereditary breast ovarian cancer syndrome. Also called: Hereditary breast and ovarian cancer syndrome (HBOC); Hereditary breast and ovarian cancer syndrome; Hereditary breast and ovarian cancer; Hereditary breast and/or ovarian cancer syndrome; Breast and ovarian cancer; BRCA1- and BRCA2-Associated Hereditary Breast and Ovarian Cancer. Identifiers: Orphanet 145, MedGen C0677776, MeSH D061325, MONDO:0003582. Disease mechanism: loss of function.
Breast-ovarian cancer, familial, susceptibility to, 1 (BROVCA1). Also called: OVARIAN CANCER, SUSCEPTIBILITY TO; BRCA1 Hereditary Breast and Ovarian Cancer. Identifiers: Orphanet 145, MedGen C2676676, MONDO:0011450, OMIM 604370. Disease mechanism: loss of function.

Submissions (6):

Evidence-based Network for the Interpretation of Germline Mutant Alleles (ENIGMA)
Classification: Pathogenic for Breast-ovarian cancer, familial, susceptibility to, 1. Last evaluated: 2016-04-22. Review status: reviewed by expert panel. Criteria: ENIGMA BRCA1/2 Classification Criteria (2015). Collection method: curation. Allele origin: germline.
Comment: Variant allele predicted to encode a truncated non-functional protein.

Labcorp Genetics (formerly Invitae), Labcorp
Classification: Pathogenic for Hereditary breast ovarian cancer syndrome. Last evaluated: 2018-07-02. Review status: criteria provided, single submitter. Criteria: Invitae Variant Classification Sherloc (09022015). Collection method: clinical testing. Allele origin: germline. Not counted in ClinVar's aggregate classification.
Comment: This variant has been reported in individuals in the Leiden Open-source Variation Database (PMID: 21520333) and Breast Cancer Information Core database (PMID: 10923033). ClinVar contains an entry for this variant (Variation ID: 37484). Loss-of-function variants in BRCA1 are known to be pathogenic (PMID: 20104584). For these reasons, this variant has been classified as Pathogenic. This variant is not present in population databases (ExAC no frequency). This sequence change creates a premature translational stop signal (p.Glu904*) in the BRCA1 gene. It is expected to result in an absent or disrupted protein product.

Consortium of Investigators of Modifiers of BRCA1/2 (CIMBA), c/o University of Cambridge
Classification: Pathogenic for Breast-ovarian cancer, familial, susceptibility to, 1. Last evaluated: 2015-10-02. Review status: criteria provided, single submitter. Criteria: CIMBA Mutation Classification guidelines May 2016. Collection method: clinical testing. Allele origin: germline. Not counted in ClinVar's aggregate classification.

Sharing Clinical Reports Project (SCRP)
Classification: Pathogenic for Breast-ovarian cancer, familial 1. Last evaluated: 2007-07-20. Review status: no assertion criteria provided. Collection method: clinical testing. Allele origin: germline. Not counted in ClinVar's aggregate classification.

Breast Cancer Information Core (BIC) (BRCA1)
Classification: Pathogenic for Breast-ovarian cancer, familial 1. Last evaluated: 2002-05-29. Review status: no assertion criteria provided. Collection method: clinical testing. Allele origin: germline. Affected: yes. Observed: 3 variant alleles. Not counted in ClinVar's aggregate classification.

Department of Pathology and Laboratory Medicine, Sinai Health System
Classification: Uncertain significance. Review status: no assertion criteria provided. Collection method: clinical testing. Allele origin: unknown. Affected: yes. Observed: 1 variant allele. Study: The Canadian Open Genetics Repository (COGR). Not counted in ClinVar's aggregate classification.

Literature cited by the submitters: PubMed 21520333 (cited by Labcorp Genetics (formerly Invitae), Labcorp); PubMed 10923033 (cited by Labcorp Genetics (formerly Invitae), Labcorp); PubMed 20104584 (cited by Labcorp Genetics (formerly Invitae), Labcorp).

NM_007294.4(BRCA1):c.2710G>T (p.Glu904Ter)

Gene: BRCA1 (BRCA1 DNA repair associated; minus strand). Cytogenetic location: 17q21.31.
Variant type: single nucleotide variant.
Coding change: c.2710G>T on transcript NM_007294.4 (MANE Select); coding-DNA position 2710, G replaced by T.
Protein change: p.Glu904Ter; replaces glutamic acid 904 with a stop codon.
Molecular consequence: nonsense. On other transcripts: intron variant (137).
Genome position (GRCh38, 1-based): chr17:43,092,821, C>A on the plus strand (G>T on the coding strand, the complement: BRCA1 is on the minus strand). VCF-style: chr17-43092821-C-A. GRCh37 (hg19) VCF-style: chr17-41244838-C-A.
Other names: 2829G>T; c.2707G>T, p.Glu903Ter (NM_001407644.1, NM_001407645.1, NM_001407860.1 and 22 more transcripts); c.2701G>T, p.Glu901Ter (NM_001407646.1, NM_001407647.1); c.2587G>T, p.Glu863Ter (NM_001407648.1, NM_001407664.1, NM_001407665.1 and 19 more transcripts); c.2584G>T, p.Glu862Ter (NM_001407649.1, NM_001407670.1, NM_001407671.1 and 11 more transcripts); c.2710G>T, p.Glu904Ter (NM_001407652.1, NM_001407684.1, NM_001407854.1 and 30 more transcripts); c.2632G>T, p.Glu878Ter (NM_001407653.1, NM_001407654.1, NM_001407655.1 and 4 more transcripts); c.2629G>T, p.Glu877Ter (NM_001407659.1, NM_001407660.1, NM_001407661.1 and 1 more transcripts); and 42 more; short protein forms E904*, E857*, E736*, E776*, E836*, E862*, E901*, E903*.
Identifiers: ClinVar variation 37484 (VCV000037484.15), dbSNP rs80357035, ClinGen allele CA001786.